The following is an entry in ClinVar:

NM_145331.3(MAP3K7):c.502G>C (p.Gly168Arg)

Gene: MAP3K7 (mitogen-activated protein kinase kinase kinase 7; minus strand). Cytogenetic location: 6q15.
Variant type: single nucleotide variant.
Coding change: c.502G>C on transcript NM_145331.3 (MANE Select); coding-DNA position 502, G replaced by C.
Protein change: p.Gly168Arg; replaces glycine 168 with arginine.
Molecular consequence: missense variant.
Genome position (GRCh38, 1-based): chr6:90,556,605, C>G on the plus strand (G>C on the coding strand, the complement: MAP3K7 is on the minus strand). VCF-style: chr6-90556605-C-G. GRCh37 (hg19) VCF-style: chr6-91266324-C-G.
Other names: c.502G>C, p.Gly168Arg (NM_003188.4, NM_145332.3, NM_145333.3); short protein forms G168R.
Identifiers: ClinVar variation 264701 (VCV000264701.3), dbSNP rs886039233, ClinGen allele CA10588009.

ClinVar aggregate classification (germline): Pathogenic. Review status: criteria provided, single submitter (1 of 4 stars). 2 submissions from 2 submitters: Pathogenic (1). 1 of the submissions does not count toward it. Last evaluated 2025-12-18.

Conditions:
Frontometaphyseal dysplasia 2 (FMD2). Identifiers: MedGen C4310697, MONDO:0014935, OMIM 617137.
MAP3K7-related disorder.

Submissions (2):

Greenwood Genetic Center Diagnostic Laboratories, Greenwood Genetic Center
Classification: Pathogenic for MAP3K7-related disorder. Last evaluated: 2025-12-18. Review status: criteria provided, single submitter. Criteria: ACMG Guidelines, 2015. Collection method: clinical testing. Allele origin: germline. Affected: yes.
Comment: PS2, PS3_Moderate, PS4_Supporting, PM2, PP3

OMIM
Classification: Pathogenic for FRONTOMETAPHYSEAL DYSPLASIA 2, MILD. Last evaluated: 2016-10-03. Review status: no assertion criteria provided. Collection method: literature only. Allele origin: germline. Not counted in ClinVar's aggregate classification.

Literature cited by the submitters: PubMed 27426733 (cited by OMIM).